The following is an entry in ClinVar:

NM_001379210.1(SLC25A26):c.-48C>T

Gene: SLC25A26 (solute carrier family 25 member 26; plus strand). Cytogenetic location: 3p14.1.
Variant type: single nucleotide variant.
Coding change: c.-48C>T on transcript NM_001379210.1 (MANE Select); 48 bases upstream of the start codon, C replaced by T.
Molecular consequence: 5 prime UTR variant. On other transcripts: non-coding transcript variant (1).
Genome position (GRCh38, 1-based): chr3:66,221,047, C>T. VCF-style: chr3-66221047-C-T. GRCh37 (hg19) VCF-style: chr3-66271473-C-T.
Other names: c.-155C>T (NM_001164796.1); c.-399C>T (NM_001350993.1); c.-48C>T (NM_173471.4).
Identifiers: ClinVar variation 673777 (VCV000673777.1), dbSNP rs148202338, ClinGen allele CA2483573.

ClinVar aggregate classification (germline): Likely benign (1 of 4 stars; one submission).

Allele frequency attached by ClinVar (database versions not stated): gnomAD exomes 0.00253; ExAC 0.00406; gnomAD 0.01006; 1000 Genomes Project 0.01138; TOPMed 0.01196; 1000 Genomes Project 30x 0.01280.
gnomAD v4.1: 3,302 of 1,533,924 alleles (0.22%); highest among the groups gnomAD compares: African/African-American, 3.8%; 60 homozygotes.

Submission:

GeneDx
Classification: Likely benign. Last evaluated: 2018-06-16. Review status: criteria provided, single submitter. Criteria: GeneDx Variant Classification (06012015). Collection method: clinical testing. Allele origin: germline. Affected: yes.
Comment: This variant is considered likely benign or benign based on one or more of the following criteria: it is a conservative change, it occurs at a poorly conserved position in the protein, it is predicted to be benign by multiple in silico algorithms, and/or has population frequency not consistent with disease.